The following is an entry in ClinVar:

NM_013352.4(DSE):c.355A>C (p.Asn119His)

Gene: DSE (dermatan sulfate epimerase; plus strand). Cytogenetic location: 6q22.1.
Variant type: single nucleotide variant.
Coding change: c.355A>C on transcript NM_013352.4 (MANE Select); coding-DNA position 355, A replaced by C.
Protein change: p.Asn119His; replaces asparagine 119 with histidine.
Molecular consequence: missense variant. On other transcripts: 5 prime UTR variant (4), non-coding transcript variant (1).
Genome position (GRCh38, 1-based): chr6:116,399,605, A>C. VCF-style: chr6-116399605-A-C. GRCh37 (hg19) VCF-style: chr6-116720768-A-C.
Other names: c.355A>C, p.Asn119His (NM_001080976.3, NM_001322937.2, NM_001322938.2 and 3 more transcripts); c.412A>C, p.Asn138His (NM_001322939.2); c.-203A>C (NM_001322940.2, NM_001322941.2); c.-546A>C (NM_001374520.1); c.-233A>C (NM_001374521.1); short protein forms N138H, N119H.
Identifiers: ClinVar variation 642867 (VCV000642867.6), dbSNP rs1583172956, ClinGen allele CA365534768.

ClinVar aggregate classification (germline): Uncertain significance (1 of 4 stars; one submission).

Conditions:
Ehlers-Danlos syndrome, musculocontractural type 2 (EDSMC2). Identifiers: Orphanet 2953, MedGen C3809845, MONDO:0014236, OMIM 615539.

gnomAD v4.1: 5 of 1,614,234 alleles (0.00031%); highest among the groups gnomAD compares: Admixed American, 0.005%; no homozygotes.

Submission:

Labcorp Genetics (formerly Invitae), Labcorp
Classification: Uncertain significance for Ehlers-Danlos syndrome, musculocontractural type 2. Last evaluated: 2022-03-22. Review status: criteria provided, single submitter. Criteria: Invitae Variant Classification Sherloc (09022015). Collection method: clinical testing. Allele origin: germline.
Comment: This sequence change replaces asparagine, which is neutral and polar, with histidine, which is basic and polar, at codon 119 of the DSE protein (p.Asn119His). This variant is not present in population databases (gnomAD no frequency). This variant has not been reported in the literature in individuals affected with DSE-related conditions. ClinVar contains an entry for this variant (Variation ID: 642867). Algorithms developed to predict the effect of missense changes on protein structure and function are either unavailable or do not agree on the potential impact of this missense change (SIFT: "Not Available"; PolyPhen-2: "Possibly Damaging"; Align-GVGD: "Not Available"). In summary, the available evidence is currently insufficient to determine the role of this variant in disease. Therefore, it has been classified as a Variant of Uncertain Significance.